The following is an entry in ClinVar:

NM_152309.3(PIK3AP1):c.1234G>A (p.Gly412Arg)

Gene: PIK3AP1 (phosphoinositide-3-kinase adaptor protein 1; minus strand). Cytogenetic location: 10q24.1.
Variant type: single nucleotide variant.
Coding change: c.1234G>A on transcript NM_152309.3 (MANE Select); coding-DNA position 1234, G replaced by A.
Protein change: p.Gly412Arg; replaces glycine 412 with arginine.
Molecular consequence: missense variant.
Genome position (GRCh38, 1-based): chr10:96,645,614, C>T on the plus strand (G>A on the coding strand, the complement: PIK3AP1 is on the minus strand). VCF-style: chr10-96645614-C-T. GRCh37 (hg19) VCF-style: chr10-98405371-C-T.
Other names: short protein forms G412R.
Identifiers: ClinVar variation 576458 (VCV000576458.8), dbSNP rs760007926, ClinGen allele CA5626331.

ClinVar aggregate classification (germline): Uncertain significance (1 of 4 stars; one submission).

Conditions:
Infantile spasms. Also called: Infantile spasm. Identifiers: MedGen C3887898, HP:0012469.

Allele frequency attached by ClinVar (database versions not stated): gnomAD exomes below 0.00001 and 0.00001; ExAC 0.00001; gnomAD 0.00001; TOPMed 0.00001.
gnomAD v4.1: 13 of 1,611,178 alleles (0.00081%); highest among the groups gnomAD compares: Non-Finnish European, 0.0011%; no homozygotes.

Submission:

Labcorp Genetics (formerly Invitae), Labcorp
Classification: Uncertain significance for Infantile spasms. Last evaluated: 2018-06-20. Review status: criteria provided, single submitter. Criteria: Invitae Variant Classification Sherloc (09022015). Collection method: clinical testing. Allele origin: germline.
Comment: Algorithms developed to predict the effect of missense changes on protein structure and function do not agree on the potential impact of this missense change (SIFT: "Deleterious"; PolyPhen-2: "Probably Damaging"; Align-GVGD: "Class C15"). In summary, the available evidence is currently insufficient to determine the role of this variant in disease. Therefore, it has been classified as a Variant of Uncertain Significance. This sequence change replaces glycine with arginine at codon 412 of the PIK3AP1 protein (p.Gly412Arg). The glycine residue is highly conserved and there is a moderate physicochemical difference between glycine and arginine. This variant is present in population databases (rs760007926, ExAC 0.001%). This variant has not been reported in the literature in individuals with PIK3AP1-related disease.